The following is an entry in ClinVar:

NM_020949.3(SLC7A14):c.2141G>A (p.Gly714Asp)

Gene: SLC7A14 (solute carrier family 7 member 14; minus strand). Cytogenetic location: 3q26.2.
Variant type: single nucleotide variant.
Coding change: c.2141G>A on transcript NM_020949.3 (MANE Select); coding-DNA position 2141, G replaced by A.
Protein change: p.Gly714Asp; replaces glycine 714 with aspartic acid.
Molecular consequence: missense variant.
Genome position (GRCh38, 1-based): chr3:170,467,230, C>T on the plus strand (G>A on the coding strand, the complement: SLC7A14 is on the minus strand). VCF-style: chr3-170467230-C-T. GRCh37 (hg19) VCF-style: chr3-170185018-C-T.
Other names: short protein forms G714D.
Identifiers: ClinVar variation 1373629 (VCV001373629.8), dbSNP rs769771787, ClinGen allele CA2701493.
Genomic context (GRCh38, chr3:170,467,230, plus strand): 5'-ATCTGTTGGTAATAGAAGCCTTTGTCTTCAGTGGGCCCGCCCCAGTCCTCCTGGCTCTCG[C>T]CCTCTGTGGCGTAGGAGAAACCCTCCTCCACTGAGAAGGGGTCATCCACGTCGTAGCGTT-3'
Protein context (NP_066000.2, residues 704-724): VEEGFSYATE[Gly714Asp]ESQEDWGGPT

ClinVar aggregate classification (germline): Uncertain significance (1 of 4 stars; one submission).

Allele frequency attached by ClinVar (database versions not stated): gnomAD 0.00001; ExAC 0.00002; gnomAD exomes 0.00002.
gnomAD v4.1: 24 of 1,614,132 alleles (0.0015%); highest among the groups gnomAD compares: South Asian, 0.023%; no homozygotes.

Submission:

Labcorp Genetics (formerly Invitae), Labcorp
Classification: Uncertain significance. Last evaluated: 2023-08-27. Review status: criteria provided, single submitter. Criteria: Invitae Variant Classification Sherloc (09022015). Collection method: clinical testing. Allele origin: germline.
Comment: This variant is present in population databases (rs769771787, gnomAD 0.01%). ClinVar contains an entry for this variant (Variation ID: 1373629). This variant has not been reported in the literature in individuals affected with SLC7A14-related conditions. An algorithm developed to predict the effect of missense changes on protein structure and function (PolyPhen-2) suggests that this variant is likely to be tolerated. This sequence change replaces glycine, which is neutral and non-polar, with aspartic acid, which is acidic and polar, at codon 714 of the SLC7A14 protein (p.Gly714Asp). In summary, the available evidence is currently insufficient to determine the role of this variant in disease. Therefore, it has been classified as a Variant of Uncertain Significance.